The following is an entry in ClinVar:

NM_032119.4(ADGRV1):c.11552A>T (p.Glu3851Val)

Gene: ADGRV1 (adhesion G protein-coupled receptor V1; plus strand). Cytogenetic location: 5q14.3.
Variant type: single nucleotide variant.
Coding change: c.11552A>T on transcript NM_032119.4 (MANE Select); coding-DNA position 11552, A replaced by T.
Protein change: p.Glu3851Val; replaces glutamic acid 3851 with valine.
Molecular consequence: missense variant. On other transcripts: non-coding transcript variant (1).
Genome position (GRCh38, 1-based): chr5:90,755,157, A>T. VCF-style: chr5-90755157-A-T. GRCh37 (hg19) VCF-style: chr5-90050974-A-T.
Other names: short protein forms E3851V.
Identifiers: ClinVar variation 2128996 (VCV002128996.4), dbSNP rs2531633601, ClinGen allele CA360367263.

ClinVar aggregate classification (germline): Uncertain significance (1 of 4 stars; one submission).

Submission:

Labcorp Genetics (formerly Invitae), Labcorp
Classification: Uncertain significance. Last evaluated: 2022-04-21. Review status: criteria provided, single submitter. Criteria: Invitae Variant Classification Sherloc (09022015). Collection method: clinical testing. Allele origin: germline.
Comment: In summary, the available evidence is currently insufficient to determine the role of this variant in disease. Therefore, it has been classified as a Variant of Uncertain Significance. This variant has not been reported in the literature in individuals affected with ADGRV1-related conditions. Algorithms developed to predict the effect of missense changes on protein structure and function are either unavailable or do not agree on the potential impact of this missense change (SIFT: "Tolerated"; PolyPhen-2: "Probably Damaging"; Align-GVGD: "Class C0"). This sequence change replaces glutamic acid, which is acidic and polar, with valine, which is neutral and non-polar, at codon 3851 of the ADGRV1 protein (p.Glu3851Val). This variant is not present in population databases (gnomAD no frequency).